The following is an entry in ClinVar:

ClinVar aggregate classification (germline): Uncertain significance (1 of 4 stars; one submission).

Submission:

ISCA site 15
Classification: Uncertain significance. Last evaluated: 2011-08-12. Review status: criteria provided, single submitter. Criteria: Kaminsky et al. (Genet Med. 2011). Collection method: clinical testing. Allele origin: unknown. Affected: yes. Observed: 1 variant allele.
Comment: Copy number variation identified through the course of routine clinical cytogenomic testing in postnatal populations. Clinical assertions have been curated as described in Kaminsky et al. 2011.

GRCh38/hg38 5q13.2(chr5:71620401-71725140)x1

Genes: CARTPT (CART prepropeptide; plus strand), MCCC2 (methylcrotonyl-CoA carboxylase subunit 2; plus strand). Cytogenetic location: 5q13.2.
Variant type: copy number loss.
Change: copy number 1 (one copy instead of two) of chr5:71,620,401-71,725,140 (104.7 kb, GRCh38 coordinates, 1-based), cytogenetic band 5q13.2.
Identifiers: ClinVar variation 60262 (VCV000060262.1).